The following is an entry in ClinVar:

ClinVar aggregate classification (germline): Likely benign (1 of 4 stars; one submission).

Conditions:
Vitamin D-dependent rickets, type 1 (VDD1). Also called: VITAMIN D DEPENDENCY, TYPE 1. Identifiers: Orphanet 289157, MedGen C0268689, MONDO:0009924.

Allele frequency attached by ClinVar (database versions not stated): gnomAD 0.00137 and 0.00334; TOPMed 0.00179; 1000 Genomes Project 30x 0.01187; 1000 Genomes Project 0.01258.
gnomAD v4.1: 6,386 of 1,017,624 alleles (0.63%); highest among the groups gnomAD compares: South Asian, 6%; 201 homozygotes.

Submission:

Illumina Laboratory Services, Illumina
Classification: Likely benign for Vitamin D-dependent rickets, type 1A. Last evaluated: 2018-01-12. Review status: criteria provided, single submitter. Criteria: ICSL Variant Classification Criteria 13 December 2019. Collection method: clinical testing. Allele origin: germline.
Comment: This variant was observed in the ICSL laboratory as part of a predisposition screen in an ostensibly healthy population. It had not been previously curated by ICSL or reported in the Human Gene Mutation Database (HGMD: prior to June 1st, 2018), and was therefore a candidate for classification through an automated scoring system. Utilizing variant allele frequency, disease prevalence and penetrance estimates, and inheritance mode, an automated score was calculated to assess if this variant is too frequent to cause the disease. Based on the score and internal cut-off values, a variant classified as likely benign is not then subjected to further curation. The score for this variant resulted in a classification of likely benign for this disease.

NM_000785.4(CYP27B1):c.*77G>A

Gene: CYP27B1 (cytochrome P450 family 27 subfamily B member 1; minus strand). Cytogenetic location: 12q14.1.
Variant type: single nucleotide variant.
Coding change: c.*77G>A on transcript NM_000785.4 (MANE Select); 77 bases downstream of the stop codon, G replaced by A.
Molecular consequence: 3 prime UTR variant.
Genome position (GRCh38, 1-based): chr12:57,763,065, C>T on the plus strand (G>A on the coding strand, the complement: CYP27B1 is on the minus strand). VCF-style: chr12-57763065-C-T. GRCh37 (hg19) VCF-style: chr12-58156848-C-T.
Identifiers: ClinVar variation 884182 (VCV000884182.4), dbSNP rs8176350, ClinGen allele CA237813289.